The following is an entry in ClinVar:

ClinVar aggregate classification (germline): Uncertain significance. Review status: criteria provided, multiple submitters, no conflicts (2 of 4 stars). 2 submissions from 2 submitters: Uncertain significance (2). Last evaluated 2024-03-27.

Conditions:
Familial juvenile hyperuricemic nephropathy type 1 (ADTKD1). Also called: Autosomal Dominant Tubulointerstitial Kidney Disease – UMOD; Glomerulocystic kidney disease with hyperuricemia and isosthenuria; Medullary cystic kidney disease 2; UMOD-Associated Kidney Disease; Uromodulin-associated kidney disease. Identifiers: Orphanet 209886, Orphanet 34149, Orphanet 88950, MedGen C4551496, MONDO:0008073, OMIM 162000.

Allele frequency attached by ClinVar (database versions not stated): ESP Exome Variant Server 0.00008.

Submissions (2):

Fulgent Genetics
Classification: Uncertain significance for Familial juvenile hyperuricemic nephropathy type 1. Last evaluated: 2024-03-27. Review status: criteria provided, single submitter. Criteria: ACMG Guidelines, 2015. Collection method: clinical testing. Allele origin: germline.

Labcorp Genetics (formerly Invitae), Labcorp
Classification: Uncertain significance. Last evaluated: 2022-03-04. Review status: criteria provided, single submitter. Criteria: Invitae Variant Classification Sherloc (09022015). Collection method: clinical testing. Allele origin: germline.
Comment: In summary, the available evidence is currently insufficient to determine the role of this variant in disease. Therefore, it has been classified as a Variant of Uncertain Significance. Algorithms developed to predict the effect of missense changes on protein structure and function are either unavailable or do not agree on the potential impact of this missense change (SIFT: "Tolerated"; PolyPhen-2: "Possibly Damaging"; Align-GVGD: "Class C0"). This variant has not been reported in the literature in individuals affected with UMOD-related conditions. This variant is not present in population databases (gnomAD no frequency). This sequence change replaces glycine, which is neutral and non-polar, with arginine, which is basic and polar, at codon 116 of the UMOD protein (p.Gly116Arg).

NM_003361.4(UMOD):c.346G>A (p.Gly116Arg)

Gene: UMOD (uromodulin; minus strand). Cytogenetic location: 16p12.3.
Variant type: single nucleotide variant.
Coding change: c.346G>A on transcript NM_003361.4 (MANE Select); coding-DNA position 346, G replaced by A.
Protein change: p.Gly116Arg; replaces glycine 116 with arginine.
Molecular consequence: missense variant. On other transcripts: non-coding transcript variant (1).
Genome position (GRCh38, 1-based): chr16:20,348,955, C>T on the plus strand (G>A on the coding strand, the complement: UMOD is on the minus strand). VCF-style: chr16-20348955-C-T. GRCh37 (hg19) VCF-style: chr16-20360277-C-T.
Other names: c.346G>A, p.Gly116Arg (NM_001378237.1, NM_001008389.3, NM_001378232.1 and 3 more transcripts); c.445G>A, p.Gly149Arg (NM_001278614.2); short protein forms G149R, G116R.
Identifiers: ClinVar variation 1937237 (VCV001937237.6), dbSNP rs139042757, ClinGen allele CA279300078.
Genomic context (GRCh38, chr16:20,348,955, plus strand): 5'-CGCACAAGTAGCTGCCCACCACATTGACACATGTGGCCAGGGCGTGGCAGTGGCTAAGCC[C>T]AGGCTCAGCGCACTCATCCACGTCTGTGCAGCCGAGACCGGGCGACAGGCGGAAGCCTTC-3'
Protein context (NP_003352.2, residues 106-126): CTDVDECAEP[Gly116Arg]LSHCHALATC